The following is an entry in ClinVar:

ClinVar aggregate classification (germline): Conflicting classifications of pathogenicity. Review status: criteria provided, conflicting classifications (1 of 4 stars). 2 submissions from 2 submitters: Uncertain significance (1); Likely benign (1). Last evaluated 2025-05-16.

Conditions:
Hypercholesterolemia, autosomal dominant, type B (FHCL2). Also called: APOB-Related Familial Hypercholesterolemia, Autosomal Dominant; Familial Hypercholesterolemia Type B; APOLIPOPROTEIN B-100, FAMILIAL DEFECTIVE; APOLIPOPROTEIN B-100, FAMILIAL LIGAND-DEFECTIVE; HYPERCHOLESTEROLEMIA, FAMILIAL, DUE TO LIGAND-DEFECTIVE APOLIPOPROTEIN B; Hyperlipoproteinemia Type IIb. Identifiers: MedGen C1704417, MONDO:0007751, OMIM 144010.
Familial hypobetalipoproteinemia 1. Also called: Hypobetalipoproteinemia, normotriglyceridemic; Acanthocytosis with hypobetalipoproteinemia; APOB-Related Familial Hypobetalipoproteinemia. Identifiers: MedGen C4551990, MONDO:0014252, OMIM 615558.

Allele frequency attached by ClinVar (database versions not stated): ExAC 0.00001; gnomAD 0.00001.
gnomAD v4.1: 11 of 1,614,046 alleles (0.00068%); highest among the groups gnomAD compares: South Asian, 0.011%; no homozygotes.

Submissions (2):

GeneDx
Classification: Uncertain significance. Last evaluated: 2025-05-16. Review status: criteria provided, single submitter. Criteria: GeneDx Variant Classification Process June 2021. Collection method: clinical testing. Allele origin: germline. Affected: yes.
Comment: Not observed at significant frequency in large population cohorts (gnomAD); In silico analysis supports that this missense variant has a deleterious effect on protein structure/function; Has not been previously published as pathogenic or benign to our knowledge

Labcorp Genetics (formerly Invitae), Labcorp
Classification: Likely benign for Familial hypobetalipoproteinemia 1; Hypercholesterolemia, autosomal dominant, type B. Last evaluated: 2024-01-17. Review status: criteria provided, single submitter. Criteria: Invitae Variant Classification Sherloc (09022015). Collection method: clinical testing. Allele origin: germline.

NM_000384.3(APOB):c.2143G>T (p.Val715Phe)

Gene: APOB (apolipoprotein B; minus strand). Cytogenetic location: 2p24.1.
Variant type: single nucleotide variant.
Coding change: c.2143G>T on transcript NM_000384.3 (MANE Select); coding-DNA position 2143, G replaced by T.
Protein change: p.Val715Phe; replaces valine 715 with phenylalanine.
Molecular consequence: missense variant.
Genome position (GRCh38, 1-based): chr2:21,026,889, C>A on the plus strand (G>T on the coding strand, the complement: APOB is on the minus strand). VCF-style: chr2-21026889-C-A. GRCh37 (hg19) VCF-style: chr2-21249761-C-A.
Other names: c.2143G>T (NM_000384.2); short protein forms V715F.
Identifiers: ClinVar variation 2927338 (VCV002927338.4), dbSNP rs757545777, ClinGen allele CA055413.
Genomic context (GRCh38, chr2:21,026,889, plus strand): 5'-CTAAGACCTTAGAGACACCATCAGGAACTTGACCATTAACCCAGTACAAAGCTTTGTTGA[C>A]ACTGTCTGGGAAAAATCCTTGCTTCCCAAAAAGAGCTTCCAATGTTGGCTCAAAGCCTTT-3'
Protein context (NP_000375.3, residues 705-725): FGKQGFFPDS[Val715Phe]NKALYWVNGQ